The following is an entry in ClinVar:

ClinVar aggregate classification (germline): Uncertain significance (1 of 4 stars; one submission).

Allele frequency attached by ClinVar (database versions not stated): TOPMed 0.00001.
gnomAD v4.1: 6 of 1,613,976 alleles (0.00037%); highest among the groups gnomAD compares: African/African-American, 0.0027%; no homozygotes.

Submission:

Labcorp Genetics (formerly Invitae), Labcorp
Classification: Uncertain significance. Last evaluated: 2023-08-24. Review status: criteria provided, single submitter. Criteria: Invitae Variant Classification Sherloc (09022015). Collection method: clinical testing. Allele origin: germline.
Comment: This sequence change replaces proline, which is neutral and non-polar, with threonine, which is neutral and polar, at codon 495 of the CDH2 protein (p.Pro495Thr). In summary, the available evidence is currently insufficient to determine the role of this variant in disease. Therefore, it has been classified as a Variant of Uncertain Significance. An algorithm developed to predict the effect of missense changes on protein structure and function (PolyPhen-2) suggests that this variant is likely to be disruptive. ClinVar contains an entry for this variant (Variation ID: 1944307). This variant has not been reported in the literature in individuals affected with CDH2-related conditions. The frequency data for this variant in the population databases is considered unreliable, as metrics indicate poor data quality at this position in the gnomAD database.

NM_001792.5(CDH2):c.1483C>A (p.Pro495Thr)

Gene: CDH2 (cadherin 2; minus strand). Cytogenetic location: 18q12.1.
Variant type: single nucleotide variant.
Coding change: c.1483C>A on transcript NM_001792.5 (MANE Select); coding-DNA position 1483, C replaced by A.
Protein change: p.Pro495Thr; replaces proline 495 with threonine.
Molecular consequence: missense variant.
Genome position (GRCh38, 1-based): chr18:27,990,212, G>T on the plus strand (C>A on the coding strand, the complement: CDH2 is on the minus strand). VCF-style: chr18-27990212-G-T. GRCh37 (hg19) VCF-style: chr18-25570176-G-T.
Other names: c.1390C>A, p.Pro464Thr (NM_001308176.2); short protein forms P464T, P495T.
Identifiers: ClinVar variation 1944307 (VCV001944307.5), dbSNP rs200059562, ClinGen allele CA8923384.